The following is an entry in ClinVar:

NM_000021.4(PSEN1):c.806G>A (p.Arg269His)

Gene: PSEN1 (presenilin 1; plus strand). Cytogenetic location: 14q24.2.
Variant type: single nucleotide variant.
Coding change: c.806G>A on transcript NM_000021.4 (MANE Select); coding-DNA position 806, G replaced by A.
Protein change: p.Arg269His; replaces arginine 269 with histidine.
Molecular consequence: missense variant.
Genome position (GRCh38, 1-based): chr14:73,198,067, G>A. VCF-style: chr14-73198067-G-A. GRCh37 (hg19) VCF-style: chr14-73664775-G-A.
Other names: c.794G>A, p.Arg265His (NM_007318.3); short protein forms R269H, R265H.
Identifiers: ClinVar variation 38297 (VCV000038297.53), dbSNP rs63750900, ClinGen allele CA225122.

ClinVar aggregate classification (germline): Pathogenic. Review status: criteria provided, multiple submitters, no conflicts (2 of 4 stars). 7 submissions from 7 submitters: Pathogenic (5). 2 of the submissions do not count toward it. Last evaluated 2026-01-27.

Conditions:
PSEN1-related disorder. Also called: PSEN1-related condition.
Pick disease. Also called: PICK DISEASE OF BRAIN; LOBAR ATROPHY OF BRAIN; Pick's disease; DEMENTIA WITH LOBAR ATROPHY AND NEURONAL CYTOPLASMIC INCLUSIONS; Pick Disease of the Brain. Identifiers: Orphanet 282, MedGen C0236642, MONDO:0008243, OMIM 172700.
Frontotemporal dementia (FTD1). Also called: Dementia, frontotemporal, with or without parkinsonism; MULTIPLE SYSTEM TAUOPATHY WITH PRESENILE DEMENTIA; Frontotemporal lobe dementia (FLDEM); FRONTOTEMPORAL DEMENTIA WITH PARKINSONISM; FRONTOTEMPORAL LOBE DEMENTIA; FRONTOTEMPORAL LOBAR DEGENERATION WITH TAU INCLUSIONS. Identifiers: Orphanet 282, MedGen C0338451, MONDO:0017276, OMIM 600274, HP:0002145.
Alzheimer disease 3 (AD3). Also called: ALZHEIMER DISEASE, FAMILIAL, 3. Identifiers: Orphanet 1020, MedGen C1843013, MONDO:0011913, OMIM 607822.
Acne inversa, familial, 3 (ACNINV3). Identifiers: MedGen C3151038, MONDO:0013398, OMIM 613737.
Alzheimer disease 4 (AD4). Identifiers: Orphanet 1020, MedGen C1847200, MONDO:0011743, OMIM 606889.

Allele frequency attached by ClinVar (database versions not stated): gnomAD exomes below 0.00001 and 0.00001; ExAC 0.00001; gnomAD 0.00001; TOPMed 0.00002.
gnomAD v4.1: 15 of 1,612,370 alleles (0.00093%); highest among the groups gnomAD compares: African/African-American, 0.004%; no homozygotes.

Submissions (7):

Labcorp Genetics (formerly Invitae), Labcorp
Classification: Pathogenic for Alzheimer disease 3; Pick disease; Acne inversa, familial, 3; Frontotemporal dementia. Last evaluated: 2026-01-27. Review status: criteria provided, single submitter. Criteria: Invitae Variant Classification Sherloc (09022015). Collection method: clinical testing. Allele origin: germline.
Comment: This sequence change replaces arginine, which is basic and polar, with histidine, which is basic and polar, at codon 269 of the PSEN1 protein (p.Arg269His). The frequency data for this variant in the population databases is considered unreliable, as metrics indicate poor data quality at this position in the gnomAD database. This missense change has been observed in individuals with Alzheimer's disease (PMID: 9189043, 9804121, 27777022, 28350801; internal data). Invitae Evidence Modeling of clinical and family history, age, sex, and reported ancestry of multiple individuals with this PSEN1 variant has been performed. This variant is expected to be pathogenic with a positive predictive value of at least 99%. This is a validated machine learning model that incorporates the clinical features of 21,034 individuals referred to our laboratory for PSEN1 testing. ClinVar contains an entry for this variant (Variation ID: 38297). Invitae Evidence Modeling of protein sequence and biophysical properties (such as structural, functional, and spatial information, amino acid conservation, physicochemical variation, residue mobility, and thermodynamic stability) indicates that this missense variant is expected to disrupt PSEN1 protein function with a positive predictive value of 95%. This variant disrupts the p.Arg269 amino acid residue in PSEN1. Other variant(s) that disrupt this residue have been determined to be pathogenic (PMID: 8910898, 15205973, 27930341). This suggests that this residue is clinically significant, and that variants that disrupt this residue are likely to be disease-causing. For these reasons, this variant has been classified as Pathogenic.

ARUP Laboratories, Molecular Genetics and Genomics, ARUP Laboratories
Classification: Pathogenic. Last evaluated: 2024-05-09. Review status: criteria provided, single submitter. Criteria: ARUP Molecular Germline Variant Investigation Process 2024. Collection method: clinical testing. Allele origin: germline.
Comment: The PSEN1 c.806G>A; p.Arg269His variant (rs63750900; ClinVar Variation ID: 38297) is reported in the literature in multiple unrelated individuals affected with Alzheimer disease (Gomez-Isla 1997, Janssen 2003, Larner 2007, Ryan 2016, Lanoiselee 2017, Blauwendraat 2019, Jiang 2019, Jiao 2021, Perrone 2020), and is associated with a mean age of onset of 56.4 years (Petit 2022). This variant is only observed on one allele in the Genome Aggregation Database (v2.1.1), indicating it is not a common polymorphism, and is consistent with a high penetrance allele (Koriath 2020). Computational analyses predict that this variant is deleterious (REVEL: 0.945; Somavarapu 2016), and function studies suggest this variant leads to a decrease the ratio of amyloid-beta peptide lengths (37 + 38 + 40) / (42 + 43) consistent with other late-onset alleles (Petit 2022). Additionally, an additional variant at this codon (c.805C>G; p.Arg269Gly) has been reported in individuals with late-onset Alzheimer disease and is considered likely pathogenic (Perez-Tur 1996). Based on available information, the p.Arg269His variant is considered to be pathogenic. References: Blauwendraat C et al. Genetic analysis of neurodegenerative diseases in a pathology cohort. Neurobiol Aging. 2019 Apr;76:214.e1-214.e9. PMID: 30528841 Gomez-Isla T et al. A novel presenilin-1 mutation: increased beta-amyloid and neurofibrillary changes. Ann Neurol. 1997 Jun;41(6):809-13. PMID: 9189043. Janssen JC et al. Early onset familial Alzheimer's disease: Mutation frequency in 31 families. Neurology. 2003 Jan 28;60(2):235-9. PMID: 12552037. Jiang B et al. Mutation screening in Chinese patients with familial Alzheimer's disease by whole-exome sequencing. Neurobiol Aging. 2019 Apr;76:215.e15-215.e21. PMID: 30598257. Jiao B et al. The role of genetics in neurodegenerative dementia: a large cohort study in South China. NPJ Genom Med. 2021 Aug 13;6(1):69. PMID: 34389718 Koriath C et al. Predictors for a dementia gene mutation based on gene-panel next-generation sequencing of a large dementia referral series. Mol Psychiatry. 2020 Dec;25(12):3399-3412. PMID: 30279455 Lanoiselee HM et al. APP, PSEN1, and PSEN2 mutations in early-onset Alzheimer disease: A genetic screening study of familial and sporadic cases. PLoS Med. 2017 Mar 28;14(3):e1002270. PMID: 28350801 Larner AJ et al. The R269H mutation in presenilin-1 presenting as late-onset autosomal dominant Alzheimer's disease. J Neurol Sci. 2007 Jan 31;252(2):173-6. PMID: 17188713. Perrone F et al. Amyloid-ÃŸ1-43 cerebrospinal fluid levels and the interpretation of APP, PSEN1 and PSEN2 mutations. Alzheimers Res Ther. 2020 Sep 11;12(1):108. PMID: 32917274 Perez-Tur J et al. A further presenilin 1 mutation in the exon 8 cluster in familial Alzheimer's disease. Neurodegeneration. 1996 Sep;5(3):207-12. PMID: 8910898. Petit D et al. AÃŸ profiles generated by Alzheimer's disease causing PSEN1 variants determine the pathogenicity of the mutation and predict age at disease onset. Mol Psychiatry. 2022 Jun;27(6):2821-2832. PMID: 35365805 Ryan NS et al. Clinical phenotype and genetic associations in autosomal dominant familial Alzheimer's disease: a case series. Lancet Neurol. 2016 Dec;15(13):1326-1335. PMID: 27777022. Somavarapu AK and Kepp KP. Loss of stability and hydrophobicity of presenilin 1 mutations causing Alzheimer's disease. J Neurochem. 2016 Apr;137(1):101-11. PMID: 26756738. Soosman SK et al. Widespread white matter and conduction defects in PSEN1-related spastic paraparesis. Neurobiol Aging. 2016 Nov;47:201-209. PMID: 27614114

Blueprint Genetics
Classification: Pathogenic for PSEN1-related disorders. Last evaluated: 2023-07-31. Review status: criteria provided, single submitter. Criteria: ACMG Guidelines, 2015. Collection method: clinical testing. Allele origin: germline. Affected: yes. Observed: 2 variant alleles.

Athena Diagnostics
Classification: Pathogenic. Last evaluated: 2022-02-18. Review status: criteria provided, single submitter. Criteria: Athena Diagnostics Criteria. Collection method: clinical testing. Allele origin: unknown.
Comment: The frequency of this variant in the general population is consistent with pathogenicity (Genome Aggregation Database (gnomAD), Cambridge, MA (URL)). This variant has been identified in multiple unrelated individuals with clinical features associated with this gene. At least one other missense variant at this codon is considered to be pathogenic or likely pathogenic. Computational tools predict that this variant is damaging.

CeGaT Center for Human Genetics Tuebingen
Classification: Pathogenic. Last evaluated: 2021-01-01. Review status: criteria provided, single submitter. Criteria: CeGaT Center For Human Genetics Tuebingen Variant Classification Criteria Version 2. Collection method: clinical testing. Allele origin: germline. Affected: yes. Observed: 2 variant alleles.

GeneReviews
No classification provided. Condition: Alzheimer disease 4. Review status: no classification provided. Collection method: literature only. Allele origin: unknown. Not counted in ClinVar's aggregate classification.

VIB  Department of Molecular Genetics, University of Antwerp
No classification provided. Review status: no classification provided. Collection method: not provided. Allele origin: unknown. Not counted in ClinVar's aggregate classification.

Literature cited by the submitters: PubMed 9189043 (cited by Labcorp Genetics (formerly Invitae), Labcorp and Athena Diagnostics); PubMed 9804121 (cited by Labcorp Genetics (formerly Invitae), Labcorp and Athena Diagnostics); PubMed 27777022 (cited by Labcorp Genetics (formerly Invitae), Labcorp and Athena Diagnostics); PubMed 28350801 (cited by Labcorp Genetics (formerly Invitae), Labcorp and Athena Diagnostics); PubMed 8910898 (cited by Labcorp Genetics (formerly Invitae), Labcorp); PubMed 15205973 (cited by Labcorp Genetics (formerly Invitae), Labcorp); PubMed 27930341 (cited by Labcorp Genetics (formerly Invitae), Labcorp); PubMed 34389718 (cited by Athena Diagnostics); PubMed 32917274 (cited by Athena Diagnostics); PubMed 31109937 (cited by Athena Diagnostics); PubMed 30598257 (cited by Athena Diagnostics); PubMed 30528841 (cited by Athena Diagnostics); PubMed 30045758 (cited by Athena Diagnostics); PubMed 29661148 (cited by Athena Diagnostics); PubMed 29494861 (cited by Athena Diagnostics); PubMed 27014028 (cited by Athena Diagnostics); PubMed 26410308 (cited by Athena Diagnostics); PubMed 12552037 (cited by Athena Diagnostics); PubMed 17188713 (cited by Athena Diagnostics); PubMed 14743455 (cited by Athena Diagnostics); PubMed 10468510 (cited by Athena Diagnostics); PubMed 25108559 (cited by Athena Diagnostics); PubMed 9437013 (cited by Athena Diagnostics); PubMed 23539189 (cited by Athena Diagnostics); PubMed 11395394 (cited by Athena Diagnostics); PubMed 16267640 (cited by GeneReviews); PubMed 20301414 (cited by GeneReviews); NCBI Bookshelf NBK1236 (cited by GeneReviews).